The following is an entry in ClinVar:

NM_022773.4(LMF1):c.100G>A (p.Gly34Arg)

Genes: LMF1 (lipase maturation factor 1; minus strand), LOC130058141 (ATAC-STARR-seq lymphoblastoid silent region 6962; plus strand). Cytogenetic location: 16p13.3.
Variant type: single nucleotide variant.
Coding change: c.100G>A on transcript NM_022773.4 (MANE Select); coding-DNA position 100, G replaced by A.
Protein change: p.Gly34Arg; replaces glycine 34 with arginine.
Molecular consequence: missense variant. On other transcripts: 5 prime UTR variant (1), non-coding transcript variant (1), intron variant (3).
Genome position (GRCh38, 1-based): chr16:970,881, C>T on the plus strand (G>A on the coding strand, the complement: LMF1 is on the minus strand). VCF-style: chr16-970881-C-T. GRCh37 (hg19) VCF-style: chr16-1020881-C-T.
Other names: c.100G>A, p.Gly34Arg (NM_001352020.1); c.-606G>A (NM_001352021.2); c.-135+10264G>A (NM_001352019.2); c.-611+10264G>A (NM_001352017.2); c.-362+10264G>A (NM_001352018.2); short protein forms G34R.
Identifiers: ClinVar variation 3867475 (VCV003867475.1).

ClinVar aggregate classification (germline): Uncertain significance (1 of 4 stars; one submission).

Conditions:
Cardiovascular phenotype. Identifiers: MedGen CN230736.

gnomAD v4.1: 4 of 1,571,680 alleles (0.00025%); highest among the groups gnomAD compares: South Asian, 0.0035%; no homozygotes.

Submission:

Ambry Genetics
Classification: Uncertain significance for Cardiovascular phenotype. Last evaluated: 2025-03-14. Review status: criteria provided, single submitter. Criteria: Ambry Variant Classification Scheme 2023. Collection method: clinical testing. Allele origin: germline.
Comment: The p.G34R variant (also known as c.100G>A), located in coding exon 1 of the LMF1 gene, results from a G to A substitution at nucleotide position 100. The glycine at codon 34 is replaced by arginine, an amino acid with dissimilar properties. This amino acid position is conserved. In addition, this alteration is predicted to be tolerated by in silico analysis. Based on the available evidence, the clinical significance of this variant remains unclear.